The following is an entry in ClinVar:

ClinVar aggregate classification (germline): Uncertain significance (1 of 4 stars; one submission).

gnomAD v4.1: 12 of 1,614,184 alleles (0.00074%); highest among the groups gnomAD compares: South Asian, 0.013%; no homozygotes.

Submission:

Labcorp Genetics (formerly Invitae), Labcorp
Classification: Uncertain significance. Last evaluated: 2020-03-05. Review status: criteria provided, single submitter. Criteria: Invitae Variant Classification Sherloc (09022015). Collection method: clinical testing. Allele origin: germline.
Comment: This variant has not been reported in the literature in individuals with CEP250-related conditions. This sequence change replaces serine with arginine at codon 2186 of the CEP250 protein (p.Ser2186Arg). The serine residue is moderately conserved and there is a moderate physicochemical difference between serine and arginine. This variant is present in population databases (rs753684828, ExAC 0.02%). Algorithms developed to predict the effect of missense changes on protein structure and function are either unavailable or do not agree on the potential impact of this missense change (SIFT: "Not Available"; PolyPhen-2: "Probably Damaging"; Align-GVGD: "Not Available"). In summary, the available evidence is currently insufficient to determine the role of this variant in disease. Therefore, it has been classified as a Variant of Uncertain Significance.

NM_007186.6(CEP250):c.6556A>C (p.Ser2186Arg)

Gene: CEP250 (centrosomal protein 250; plus strand). Cytogenetic location: 20q11.22.
Variant type: single nucleotide variant.
Coding change: c.6556A>C on transcript NM_007186.6 (MANE Select); coding-DNA position 6556, A replaced by C.
Protein change: p.Ser2186Arg; replaces serine 2186 with arginine.
Molecular consequence: missense variant.
Genome position (GRCh38, 1-based): chr20:35,504,925, A>C. VCF-style: chr20-35504925-A-C. GRCh37 (hg19) VCF-style: chr20-34092753-A-C.
Other names: c.4660A>C, p.Ser1554Arg (NM_001318219.1); short protein forms S1554R, S2186R.
Identifiers: ClinVar variation 1039248 (VCV001039248.6), dbSNP rs753684828, ClinGen allele CA9834092.